The following is an entry in ClinVar:

ClinVar aggregate classification (germline): Pathogenic/Likely pathogenic. Review status: criteria provided, multiple submitters, no conflicts (2 of 4 stars). 2 submissions from 2 submitters: Pathogenic (1); Likely pathogenic (1). Last evaluated 2023-04-17.

Conditions:
Autosomal dominant polycystic kidney disease. Identifiers: Orphanet 730, MedGen C0085413, MONDO:0004691.

Submissions (2):

GeneDx
Classification: Likely pathogenic. Last evaluated: 2023-04-17. Review status: criteria provided, single submitter. Criteria: GeneDx Variant Classification Process June 2021. Collection method: clinical testing. Allele origin: germline. Affected: yes.
Comment: Frameshift variant predicted to result in protein truncation, as the last 76 amino acids are replaced with 157 different amino acids, and other frameshift variants have been reported downstream in HGMD; Not observed at significant frequency in large population cohorts (gnomAD); This variant is associated with the following publications: (PMID: 19515475)

Department of Pathology and Laboratory Medicine, Sinai Health System
Classification: Pathogenic for autosomal dominant polycystic kidney disease. Last evaluated: 2019-01-18. Review status: criteria provided, single submitter. Criteria: ACMG Guidelines, 2015. Collection method: clinical testing. Allele origin: germline. Affected: yes.

NM_001009944.3(PKD1):c.12682dup (p.Arg4228fs)

Gene: PKD1 (polycystin 1, transient receptor potential channel interacting; minus strand). Cytogenetic location: 16p13.3.
Variant type: Duplication.
Coding change: c.12682dup on transcript NM_001009944.3 (MANE Select); coding-DNA position 12682, one base duplicated (C; older notation c.12682dupC).
Protein change: p.Arg4228fs; shifts the reading frame from arginine 4228.
Molecular consequence: frameshift variant.
Genome position (GRCh38, 1-based): chr16:2,089,957, G duplicated on the plus strand (C on the coding strand, the reverse complement: PKD1 is on the minus strand); the first of 2 consecutive G bases (chr16:2,089,957-2,089,958); duplicating either gives the same sequence. VCF-style (leftmost placement, unchanged base first): chr16-2089956-C-CG. GRCh37 (hg19) VCF-style: chr16-2139957-C-CG.
Other names: c.12679dup, p.Arg4227fs (NM_000296.4); c.12682dup (NM_001009944.2); c.12682dupC (NM_001009944.2); short protein forms R4227fs, R4228fs.
Identifiers: ClinVar variation 1707305 (VCV001707305.4), dbSNP rs2544576934, ClinGen allele CA2580091164.